The following is an entry in ClinVar:

NM_001387777.1(TNS1):c.4029C>A (p.Thr1343=)

Gene: TNS1 (tensin 1; minus strand). Cytogenetic location: 2q35.
Variant type: single nucleotide variant.
Coding change: c.4029C>A on transcript NM_001387777.1 (MANE Select); coding-DNA position 4029, C replaced by A.
Protein change: p.Thr1343=; no amino-acid change (threonine 1343 retained).
Molecular consequence: synonymous variant.
Genome position (GRCh38, 1-based): chr2:217,818,303, G>T on the plus strand (C>A on the coding strand, the complement: TNS1 is on the minus strand). VCF-style: chr2-217818303-G-T. GRCh37 (hg19) VCF-style: chr2-218683026-G-T.
Other names: c.3678C>A, p.Thr1226= (NM_001308022.2); c.3654C>A, p.Thr1218= (NM_001308023.2); c.3717C>A, p.Thr1239= (NM_022648.7).
Identifiers: ClinVar variation 770133 (VCV000770133.5), dbSNP rs189777473, ClinGen allele CA2099731.

ClinVar aggregate classification (germline): Likely benign. Review status: criteria provided, single submitter (1 of 4 stars). 2 submissions from 2 submitters: Likely benign (1). 1 of the submissions does not count toward it. Last evaluated 2017-12-20.

Conditions:
TNS1-related disorder. Also called: TNS1-related condition.

Allele frequency attached by ClinVar (database versions not stated): ESP Exome Variant Server 0.00015; ExAC 0.00038; TOPMed 0.00045; gnomAD exomes 0.00046 and 0.00056; 1000 Genomes Project 30x 0.00047; gnomAD 0.00048 and 0.00052; 1000 Genomes Project 0.00060.
gnomAD v4.1: 887 of 1,613,650 alleles (0.055%); highest among the groups gnomAD compares: South Asian, 0.083%; 2 homozygotes.

Submissions (2):

Labcorp Genetics (formerly Invitae), Labcorp
Classification: Likely benign. Last evaluated: 2017-12-20. Review status: criteria provided, single submitter. Criteria: Invitae Variant Classification Sherloc (09022015). Collection method: clinical testing. Allele origin: germline.

PreventionGenetics, part of Exact Sciences
Classification: Likely benign for TNS1-related condition. Last evaluated: 2019-06-27. Review status: no assertion criteria provided. Collection method: clinical testing. Allele origin: germline. Not counted in ClinVar's aggregate classification.
Comment: This variant is classified as likely benign based on ACMG/AMP sequence variant interpretation guidelines (Richards et al. 2015 PMID: 25741868, with internal and published modifications).